The following is an entry in ClinVar:

NM_020778.5(ALPK3):c.1589G>T (p.Arg530Leu)

Genes: ALPK3 (alpha kinase 3; plus strand), LOC111718493 (skeletal muscle cis-regulatory module overlapping ALPK3; plus strand). Cytogenetic location: 15q25.3.
Variant type: single nucleotide variant.
Coding change: c.1589G>T on transcript NM_020778.5 (MANE Select); coding-DNA position 1589, G replaced by T.
Protein change: p.Arg530Leu; replaces arginine 530 with leucine.
Molecular consequence: missense variant.
Genome position (GRCh38, 1-based): chr15:84,840,868, G>T. VCF-style: chr15-84840868-G-T. GRCh37 (hg19) VCF-style: chr15-85384099-G-T.
Other names: short protein forms R530L.
Identifiers: ClinVar variation 1787477 (VCV001787477.8), dbSNP rs150733634, ClinGen allele CA7709225.

ClinVar aggregate classification (germline): Uncertain significance. Review status: criteria provided, multiple submitters, no conflicts (2 of 4 stars). 3 submissions from 3 submitters: Uncertain significance (3). Last evaluated 2024-05-19.

Conditions:
Cardiovascular phenotype. Identifiers: MedGen CN230736.

gnomAD v4.1: 5 of 1,613,776 alleles (0.00031%); highest among the groups gnomAD compares: Admixed American, 0.0017%; no homozygotes.

Submissions (3):

Labcorp Genetics (formerly Invitae), Labcorp
Classification: Uncertain significance. Last evaluated: 2024-05-19. Review status: criteria provided, single submitter. Criteria: Invitae Variant Classification Sherloc (09022015). Collection method: clinical testing. Allele origin: germline.
Comment: This sequence change replaces arginine, which is basic and polar, with leucine, which is neutral and non-polar, at codon 732 of the ALPK3 protein (p.Arg732Leu). This variant is present in population databases (rs150733634, gnomAD 0.003%). This variant has not been reported in the literature in individuals affected with ALPK3-related conditions. ClinVar contains an entry for this variant (Variation ID: 1787477). An algorithm developed to predict the effect of missense changes on protein structure and function (PolyPhen-2) suggests that this variant is likely to be disruptive. In summary, the available evidence is currently insufficient to determine the role of this variant in disease. Therefore, it has been classified as a Variant of Uncertain Significance.

GeneDx
Classification: Uncertain significance. Last evaluated: 2023-02-09. Review status: criteria provided, single submitter. Criteria: GeneDx Variant Classification Process June 2021. Collection method: clinical testing. Allele origin: germline. Affected: yes.
Comment: Has not been previously published as pathogenic or benign to our knowledge; Not observed at significant frequency in large population cohorts (gnomAD); In silico analysis supports that this missense variant does not alter protein structure/function

Ambry Genetics
Classification: Uncertain significance for Cardiovascular phenotype. Last evaluated: 2020-11-09. Review status: criteria provided, single submitter. Criteria: Ambry Variant Classification Scheme 2023. Collection method: clinical testing. Allele origin: germline.
Comment: The p.R732L variant (also known as c.2195G>T), located in coding exon 5 of the ALPK3 gene, results from a G to T substitution at nucleotide position 2195. The arginine at codon 732 is replaced by leucine, an amino acid with dissimilar properties. This amino acid position is highly conserved in available vertebrate species. In addition, the in silico prediction for this alteration is inconclusive. Since supporting evidence is limited at this time, the clinical significance of this alteration remains unclear.